The following is an entry in ClinVar:

NM_182641.4(BPTF):c.8067T>A (p.Pro2689=)

Gene: BPTF (bromodomain PHD finger transcription factor; plus strand). Cytogenetic location: 17q24.2.
Variant type: single nucleotide variant.
Coding change: c.8067T>A on transcript NM_182641.4 (MANE Select); coding-DNA position 8067, T replaced by A.
Protein change: p.Pro2689=; no amino-acid change (proline 2689 retained).
Molecular consequence: synonymous variant.
Genome position (GRCh38, 1-based): chr17:67,959,681, T>A. VCF-style: chr17-67959681-T-A. GRCh37 (hg19) VCF-style: chr17-65955797-T-A.
Other names: c.8016T>A, p.Pro2672= (NM_004459.7).
Identifiers: ClinVar variation 3051339 (VCV003051339.2), dbSNP rs782626516, ClinGen allele CA501696798.

ClinVar aggregate classification (germline): Likely benign (0 of 4 stars; one submission).

Conditions:
BPTF-related disorder. Also called: BPTF-related condition.

Submission:

PreventionGenetics, part of Exact Sciences
Classification: Likely benign for BPTF-related condition. Last evaluated: 2019-04-02. Review status: no assertion criteria provided. Collection method: clinical testing. Allele origin: germline.
Comment: This variant is classified as likely benign based on ACMG/AMP sequence variant interpretation guidelines (Richards et al. 2015 PMID: 25741868, with internal and published modifications).